The following is an entry in ClinVar:

ClinVar aggregate classification (germline): Uncertain significance. Review status: criteria provided, multiple submitters, no conflicts (2 of 4 stars). 2 submissions from 2 submitters: Uncertain significance (2). Last evaluated 2025-11-27.

Conditions:
Hereditary cancer-predisposing syndrome. Also called: Tumor predisposition; Hereditary neoplastic syndrome; Neoplastic Syndromes, Hereditary; Hereditary Cancer Syndrome. Identifiers: Orphanet 140162, MedGen C0027672, MeSH D009386, MONDO:0015356.
Ataxia-telangiectasia syndrome (AT). Also called: Ataxia-telangiectasia, complementation group E; Cerebello-oculocutaneous telangiectasia; Immunodeficiency with ataxia telangiectasia; ATAXIA-TELANGIECTASIA, COMPLEMENTATION GROUP A; ATAXIA-TELANGIECTASIA, FRESNO VARIANT; Ataxia-telangiectasia, complementation group D. Identifiers: Orphanet 100, MedGen C0004135, MONDO:0008840, OMIM 208900.

Allele frequency attached by ClinVar (database versions not stated): gnomAD exomes below 0.00001.

Submissions (2):

Labcorp Genetics (formerly Invitae), Labcorp
Classification: Uncertain significance for Ataxia-telangiectasia syndrome. Last evaluated: 2025-11-27. Review status: criteria provided, single submitter. Criteria: Invitae Variant Classification Sherloc (09022015). Collection method: clinical testing. Allele origin: germline.
Comment: This sequence change replaces histidine, which is basic and polar, with asparagine, which is neutral and polar, at codon 1264 of the ATM protein (p.His1264Asn). This variant is not present in population databases (gnomAD no frequency). This variant has not been reported in the literature in individuals affected with ATM-related conditions. ClinVar contains an entry for this variant (Variation ID: 1520531). Invitae Evidence Modeling of protein sequence and biophysical properties (such as structural, functional, and spatial information, amino acid conservation, physicochemical variation, residue mobility, and thermodynamic stability) indicates that this missense variant is not expected to disrupt ATM protein function with a negative predictive value of 95%. In summary, the available evidence is currently insufficient to determine the role of this variant in disease. Therefore, it has been classified as a Variant of Uncertain Significance.

Ambry Genetics
Classification: Uncertain significance for Hereditary cancer-predisposing syndrome. Last evaluated: 2024-01-27. Review status: criteria provided, single submitter. Criteria: Ambry Variant Classification Scheme 2023. Collection method: clinical testing. Allele origin: germline.
Comment: The p.H1264N variant (also known as c.3790C>A), located in coding exon 25 of the ATM gene, results from a C to A substitution at nucleotide position 3790. The histidine at codon 1264 is replaced by asparagine, an amino acid with similar properties. This amino acid position is conserved. In addition, this alteration is predicted to be tolerated by in silico analysis. Since supporting evidence is limited at this time, the clinical significance of this alteration remains unclear.

NM_000051.4(ATM):c.3790C>A (p.His1264Asn)

Gene: ATM (ATM serine/threonine kinase; plus strand). Cytogenetic location: 11q22.3.
Variant type: single nucleotide variant.
Coding change: c.3790C>A on transcript NM_000051.4 (MANE Select); coding-DNA position 3790, C replaced by A.
Protein change: p.His1264Asn; replaces histidine 1264 with asparagine.
Molecular consequence: missense variant.
Genome position (GRCh38, 1-based): chr11:108,284,270, C>A. VCF-style: chr11-108284270-C-A. GRCh37 (hg19) VCF-style: chr11-108154997-C-A.
Other names: c.3790C>A, p.His1264Asn (NM_001351834.2); short protein forms H1264N.
Identifiers: ClinVar variation 1520531 (VCV001520531.10), dbSNP rs2135705273, ClinGen allele CA382524602.
Genomic context (GRCh38, chr11:108,284,270, plus strand): 5'-AATTTTTCTATTTTTAGATCTTGTTATAAGGTTTTGATTCCACATCTGGTGATTAGAAGT[C>A]ATTTTGATGAGGTGAAGTCCATTGCTAATCAGATTCAAGAGGACTGGAAAAGTCTTCTAA-3'
Protein context (NP_000042.3, residues 1254-1274): VLIPHLVIRS[His1264Asn]FDEVKSIANQ